The following is an entry in ClinVar:

NM_003076.5(SMARCD1):c.1001G>A (p.Arg334Gln)

Gene: SMARCD1 (SWI/SNF related BAF chromatin remodeling complex subunit D1; plus strand). Cytogenetic location: 12q13.12.
Variant type: single nucleotide variant.
Coding change: c.1001G>A on transcript NM_003076.5 (MANE Select); coding-DNA position 1001, G replaced by A.
Protein change: p.Arg334Gln; replaces arginine 334 with glutamine.
Molecular consequence: missense variant.
Genome position (GRCh38, 1-based): chr12:50,090,368, G>A. VCF-style: chr12-50090368-G-A. GRCh37 (hg19) VCF-style: chr12-50484151-G-A.
Other names: c.1001G>A, p.Arg334Gln (NM_139071.3); short protein forms R334Q.
Identifiers: ClinVar variation 986256 (VCV000986256.6), dbSNP rs575681571, ClinGen allele CA236725461.

ClinVar aggregate classification (germline): Uncertain significance. Review status: criteria provided, multiple submitters, no conflicts (2 of 4 stars). 2 submissions from 2 submitters: Uncertain significance (2). Last evaluated 2023-12-05.

Conditions:
Inborn genetic diseases. Identifiers: MedGen C0950123, MeSH D030342.

Allele frequency attached by ClinVar (database versions not stated): gnomAD exomes below 0.00001; gnomAD 0.00001; 1000 Genomes Project 30x 0.00016; 1000 Genomes Project 0.00020.
gnomAD v4.1: 3 of 1,614,010 alleles (0.00019%); highest among the groups gnomAD compares: African/African-American, 0.0013%; no homozygotes.

Submissions (2):

GeneDx
Classification: Uncertain significance. Last evaluated: 2023-12-05. Review status: criteria provided, single submitter. Criteria: GeneDx Variant Classification Process June 2021. Collection method: clinical testing. Allele origin: germline. Affected: yes.
Comment: Not observed at significant frequency in large population cohorts (gnomAD); In silico analysis supports that this missense variant has a deleterious effect on protein structure/function; Has not been previously published as pathogenic or benign to our knowledge

Ambry Genetics
Classification: Uncertain significance for Inborn genetic diseases. Last evaluated: 2020-02-12. Review status: criteria provided, single submitter. Criteria: Ambry Variant Classification Scheme 2023. Collection method: clinical testing. Allele origin: germline.
Comment: The alteration results in an amino acid change:_x000D_ _x000D_ The c.1001G>A (p.R334Q) alteration is located in coding exon 8 of the SMARCD1 gene. This alteration results from a G to A substitution at nucleotide position 1001, causing the arginine (R) at amino acid position 334 to be replaced by a glutamine (Q). The alteration is rare in population databases: _x000D_ _x000D_ Based on data from the Genome Aggregation Database (gnomAD), the c.1001G>A alteration was observed in 0.00319% (1/31,382) of total alleles studied. The altered amino acid is conserved throughout evolution:_x000D_ _x000D_ The p.R334 amino acid is conserved in available vertebrate species. The alteration is predicted inconclusive by in silico modeling:_x000D_ _x000D_ The in silico prediction for the p.R334Q alteration is inconclusive. Based on insufficient or conflicting evidence, the clinical significance of this alteration remains unclear.